The following is an entry in ClinVar:

NM_000187.4(HGD):c.711C>A (p.Arg237=)

Gene: HGD (homogentisate 1,2-dioxygenase; minus strand). Cytogenetic location: 3q13.33.
Variant type: single nucleotide variant.
Coding change: c.711C>A on transcript NM_000187.4 (MANE Select); coding-DNA position 711, C replaced by A.
Protein change: p.Arg237=; no amino-acid change (arginine 237 retained).
Molecular consequence: synonymous variant.
Genome position (GRCh38, 1-based): chr3:120,644,382, G>T on the plus strand (C>A on the coding strand, the complement: HGD is on the minus strand). VCF-style: chr3-120644382-G-T. GRCh37 (hg19) VCF-style: chr3-120363229-G-T.
Identifiers: ClinVar variation 784694 (VCV000784694.15), dbSNP rs147204182, ClinGen allele CA2560092.

ClinVar aggregate classification (germline): Benign/Likely benign. Review status: criteria provided, multiple submitters, no conflicts (2 of 4 stars). 3 submissions from 3 submitters: Benign (2); Likely benign (1). Last evaluated 2026-01-13.

Conditions:
Alkaptonuria (AKU). Also called: Homogentisic acidura; HOMOGENTISIC ACID OXIDASE DEFICIENCY; Alcaptonuria; Alkaptonuric ochronosis. Identifiers: Orphanet 56, MedGen C0002066, MONDO:0008753, OMIM 203500.

Allele frequency attached by ClinVar (database versions not stated): gnomAD exomes 0.00028 and 0.00073; ExAC 0.00098; 1000 Genomes Project 0.00240; gnomAD 0.00276 and 0.00302; 1000 Genomes Project 30x 0.00312; ESP Exome Variant Server 0.00346; TOPMed 0.00356.
gnomAD v4.1: 851 of 1,614,014 alleles (0.053%); highest among the groups gnomAD compares: African/African-American, 1%; 3 homozygotes.

Submissions (3):

Labcorp Genetics (formerly Invitae), Labcorp
Classification: Benign for Alkaptonuria. Last evaluated: 2026-01-13. Review status: criteria provided, single submitter. Criteria: Invitae Variant Classification Sherloc (09022015). Collection method: clinical testing. Allele origin: germline.

Fulgent Genetics
Classification: Likely benign for Alkaptonuria. Last evaluated: 2021-08-12. Review status: criteria provided, single submitter. Criteria: ACMG Guidelines, 2015. Collection method: clinical testing. Allele origin: unknown.

Illumina Laboratory Services, Illumina
Classification: Benign for Alkaptonuria. Last evaluated: 2018-01-12. Review status: criteria provided, single submitter. Criteria: ICSL Variant Classification Criteria 13 December 2019. Collection method: clinical testing. Allele origin: germline.
Comment: This variant was observed in the ICSL laboratory as part of a predisposition screen in an ostensibly healthy population. It had not been previously curated by ICSL or reported in the Human Gene Mutation Database (HGMD: prior to June 1st, 2018), and was therefore a candidate for classification through an automated scoring system. Utilizing variant allele frequency, disease prevalence and penetrance estimates, and inheritance mode, an automated score was calculated to assess if this variant is too frequent to cause the disease. Based on the score and internal cut-off values, a variant classified as benign is not then subjected to further curation. The score for this variant resulted in a classification of benign for this disease.